The following is an entry in ClinVar:

ClinVar aggregate classification (germline): Uncertain significance (1 of 4 stars; one submission).

gnomAD v4.1: 9 of 1,613,774 alleles (0.00056%); highest among the groups gnomAD compares: Admixed American, 0.01%; no homozygotes.

Submission:

Women's Health and Genetics/Laboratory Corporation of America, LabCorp
Classification: Uncertain significance. Last evaluated: 2025-03-03. Review status: criteria provided, single submitter. Criteria: LabCorp Variant Classification Summary - May 2015. Collection method: clinical testing. Allele origin: germline.
Comment: Variant summary: ALOXE3 c.1534G>A (p.Gly512Ser) results in a non-conservative amino acid change in the encoded protein sequence. Four of five in-silico tools predict a damaging effect of the variant on protein function. The variant allele was found at a frequency of 2e-05 in 251008 control chromosomes (gnomAD). The available data on variant occurrences in the general population are insufficient to allow any conclusion about variant significance. c.1534G>A has been reported in the literature in at least one individual affected with Lamellar Ichthyosis (Simpson_2019). These data do not allow any conclusion about variant significance. To our knowledge, no experimental evidence demonstrating an impact on protein function has been reported. The following publication have been ascertained in the context of this evaluation (PMID: 31168818). No submitters have cited clinical-significance assessments for this variant to ClinVar. Based on the evidence outlined above, the variant was classified as uncertain significance.

Literature cited by the submitters: PubMed 31168818.

NM_021628.3(ALOXE3):c.1534G>A (p.Gly512Ser)

Gene: ALOXE3 (arachidonate epidermal lipoxygenase 3; minus strand). Cytogenetic location: 17p13.1.
Variant type: single nucleotide variant.
Coding change: c.1534G>A on transcript NM_021628.3 (MANE Select); coding-DNA position 1534, G replaced by A.
Protein change: p.Gly512Ser; replaces glycine 512 with serine.
Molecular consequence: missense variant.
Genome position (GRCh38, 1-based): chr17:8,109,202, C>T on the plus strand (G>A on the coding strand, the complement: ALOXE3 is on the minus strand). VCF-style: chr17-8109202-C-T. GRCh37 (hg19) VCF-style: chr17-8012520-C-T.
Other names: c.1930G>A, p.Gly644Ser (NM_001165960.1); c.1531G>A, p.Gly511Ser (NM_001369446.1); short protein forms G511S, G512S, G644S.
Identifiers: ClinVar variation 3895862 (VCV003895862.1).